The following is an entry in ClinVar:

NM_000297.4(PKD2):c.2314G>A (p.Glu772Lys)

Gene: PKD2 (polycystin 2, transient receptor potential cation channel; plus strand). Cytogenetic location: 4q22.1.
Variant type: single nucleotide variant.
Coding change: c.2314G>A on transcript NM_000297.4 (MANE Select); coding-DNA position 2314, G replaced by A.
Protein change: p.Glu772Lys; replaces glutamic acid 772 with lysine.
Molecular consequence: missense variant. On other transcripts: non-coding transcript variant (1).
Genome position (GRCh38, 1-based): chr4:88,065,835, G>A. VCF-style: chr4-88065835-G-A. GRCh37 (hg19) VCF-style: chr4-88986987-G-A.
Other names: c.2314G>A (NM_000297.3); short protein forms E772K.
Identifiers: ClinVar variation 1506561 (VCV001506561.9), dbSNP rs774525905, ClinGen allele CA3004204.

ClinVar aggregate classification (germline): Uncertain significance. Review status: criteria provided, multiple submitters, no conflicts (2 of 4 stars). 4 submissions from 4 submitters: Uncertain significance (4). Last evaluated 2025-12-30.

Conditions:
PKD2-related disorder. Also called: PKD2-related condition.
Inborn genetic diseases. Identifiers: MedGen C0950123, MeSH D030342.
Autosomal dominant polycystic kidney disease. Identifiers: Orphanet 730, MedGen C0085413, MONDO:0004691.
Polycystic kidney disease 2 (PKD2). Also called: Polycystic Kidney Disease 2, Autosomal Dominant; POLYCYSTIC KIDNEY DISEASE, ADULT, TYPE II; POLYCYSTIC KIDNEY DISEASE 2 WITH OR WITHOUT POLYCYSTIC LIVER DISEASE. Identifiers: MedGen C2751306, MONDO:0013131, OMIM 613095.

Allele frequency attached by ClinVar (database versions not stated): ExAC 0.00002; gnomAD 0.00002; gnomAD exomes 0.00002; TOPMed 0.00002.
gnomAD v4.1: 26 of 1,613,028 alleles (0.0016%); highest among the groups gnomAD compares: Non-Finnish European, 0.002%; no homozygotes.

Submissions (4):

PreventionGenetics, part of Exact Sciences
Classification: Uncertain significance for PKD2-related condition. Last evaluated: 2025-12-30. Review status: criteria provided, single submitter. Criteria: ACMG Guidelines, 2015. Collection method: clinical testing. Allele origin: germline.
Comment: The PKD2 c.2314G>A variant is predicted to result in the amino acid substitution p.Glu772Lys. To our knowledge, this variant has not been reported in the literature. This variant is reported in 0.0047% of alleles in individuals of European (Non-Finnish) descent in gnomAD. At this time, the clinical significance of this variant is uncertain due to the absence of conclusive functional and genetic evidence.

Labcorp Genetics (formerly Invitae), Labcorp
Classification: Uncertain significance for Autosomal dominant polycystic kidney disease. Last evaluated: 2025-08-10. Review status: criteria provided, single submitter. Criteria: Invitae Variant Classification Sherloc (09022015). Collection method: clinical testing. Allele origin: germline.
Comment: This sequence change replaces glutamic acid, which is acidic and polar, with lysine, which is basic and polar, at codon 772 of the PKD2 protein (p.Glu772Lys). This variant is present in population databases (rs774525905, gnomAD 0.005%). This variant has not been reported in the literature in individuals affected with PKD2-related conditions. ClinVar contains an entry for this variant (Variation ID: 1506561). Invitae Evidence Modeling of protein sequence and biophysical properties (such as structural, functional, and spatial information, amino acid conservation, physicochemical variation, residue mobility, and thermodynamic stability) indicates that this missense variant is not expected to disrupt PKD2 protein function with a negative predictive value of 80%. In summary, the available evidence is currently insufficient to determine the role of this variant in disease. Therefore, it has been classified as a Variant of Uncertain Significance.

Ambry Genetics
Classification: Uncertain significance for Inborn genetic diseases. Last evaluated: 2024-05-06. Review status: criteria provided, single submitter. Criteria: Ambry Variant Classification Scheme 2023. Collection method: clinical testing. Allele origin: germline.

Fulgent Genetics
Classification: Uncertain significance for Polycystic kidney disease 2. Last evaluated: 2022-05-24. Review status: criteria provided, single submitter. Criteria: ACMG Guidelines, 2015. Collection method: clinical testing. Allele origin: unknown.